The following is an entry in ClinVar:

NM_014227.3(SLC5A4):c.1164C>T (p.Ala388=)

Genes: SLC5A4 (solute carrier family 5 member 4; minus strand), SLC5A4-AS1 (SLC5A4 antisense RNA 1; plus strand). Cytogenetic location: 22q12.3.
Variant type: single nucleotide variant.
Coding change: c.1164C>T on transcript NM_014227.3 (MANE Select); coding-DNA position 1164, C replaced by T.
Protein change: p.Ala388=; no amino-acid change (alanine 388 retained).
Molecular consequence: synonymous variant.
Genome position (GRCh38, 1-based): chr22:32,229,310, G>A on the plus strand (C>T on the coding strand, the complement: SLC5A4 is on the minus strand). VCF-style: chr22-32229310-G-A. GRCh37 (hg19) VCF-style: chr22-32625297-G-A.
Identifiers: ClinVar variation 3905105 (VCV003905105.10).
Genomic context (GRCh38, chr22:32,229,310, plus strand): 5'-GTCAATGGTGAAGAGGGTGCTGGCGCTGTTGAAGATGGAGGTCAGGGAGCTCATGAGAGA[G>A]GCCAGCATGACCGAAAGCATCAGGCCTCGCAGTCCTGGAGCCGGGAAAGGGTACAAGCAC-3'
Protein context (NP_055042.1, residues 378-398): LRGLMLSVML[Ala388=]SLMSSLTSIF

ClinVar aggregate classification (germline): Likely benign (1 of 4 stars; one submission).

gnomAD v4.1: 490 of 1,614,174 alleles (0.03%); highest among the groups gnomAD compares: African/African-American, 0.56%; 6 homozygotes.

Submission:

CeGaT Center for Human Genetics Tuebingen
Classification: Likely benign. Last evaluated: 2025-05-01. Review status: criteria provided, single submitter. Criteria: CeGaT Center For Human Genetics Tuebingen Variant Classification Criteria Version 2. Collection method: clinical testing. Allele origin: germline. Affected: yes. Observed: 1 variant allele.
Comment: SLC5A4: BP4, BP7